The following is an entry in ClinVar:

NM_000094.4(COL7A1):c.2588C>G (p.Pro863Arg)

Gene: COL7A1 (collagen type VII alpha 1 chain; minus strand). Cytogenetic location: 3p21.31.
Variant type: single nucleotide variant.
Coding change: c.2588C>G on transcript NM_000094.4 (MANE Select); coding-DNA position 2588, C replaced by G.
Protein change: p.Pro863Arg; replaces proline 863 with arginine.
Molecular consequence: missense variant.
Genome position (GRCh38, 1-based): chr3:48,588,404, G>C on the plus strand (C>G on the coding strand, the complement: COL7A1 is on the minus strand). VCF-style: chr3-48588404-G-C. GRCh37 (hg19) VCF-style: chr3-48625837-G-C.
Other names: short protein forms P863R.
Identifiers: ClinVar variation 1047999 (VCV001047999.3), dbSNP rs968625343, ClinGen allele CA352718116.

ClinVar aggregate classification (germline): Conflicting classifications of pathogenicity. Review status: criteria provided, conflicting classifications (1 of 4 stars). 2 submissions from 2 submitters: Pathogenic (1); Uncertain significance (1). Last evaluated 2025-01-06.

Conditions:
Epidermolysis bullosa dystrophica. Also called: Dystrophic epidermolysis bullosa, Hallopeau-Siemens type (formerly); Dystrophic epidermolysis bullosa. Identifiers: Orphanet 303, MedGen C0079294, MONDO:0006543.

gnomAD v4.1: 1 of 1,609,112 alleles (0.000062%); highest among the groups gnomAD compares: Non-Finnish European, 0.000085%; no homozygotes.

Submissions (2):

Labcorp Genetics (formerly Invitae), Labcorp
Classification: Uncertain significance. Last evaluated: 2025-01-06. Review status: criteria provided, single submitter. Criteria: Invitae Variant Classification Sherloc (09022015). Collection method: clinical testing. Allele origin: germline.
Comment: This sequence change replaces proline, which is neutral and non-polar, with arginine, which is basic and polar, at codon 863 of the COL7A1 protein (p.Pro863Arg). This variant is not present in population databases (gnomAD no frequency). This variant has not been reported in the literature in individuals affected with COL7A1-related conditions. ClinVar contains an entry for this variant (Variation ID: 1047999). Experimental studies and prediction algorithms are not available or were not evaluated, and the functional significance of this variant is currently unknown. In summary, the available evidence is currently insufficient to determine the role of this variant in disease. Therefore, it has been classified as a Variant of Uncertain Significance.

Biomedical Innovation Departament, CIEMAT
Classification: Pathogenic for Dystrophic epidermolysis bullosa. Last evaluated: 2012-07-25. Review status: criteria provided, single submitter. Criteria: ACMG Guidelines, 2015. Collection method: research. Allele origin: germline. Affected: yes. Observed: 1 variant allele.